The following is an entry in ClinVar:

ClinVar aggregate classification (germline): Likely pathogenic. Review status: criteria provided, multiple submitters, no conflicts (2 of 4 stars). 2 submissions from 2 submitters: Likely pathogenic (2). Last evaluated 2022-06-07.

Conditions:
Arrhythmogenic right ventricular dysplasia 2. Identifiers: MedGen C1832931.

Submissions (2):

GeneDx
Classification: Likely pathogenic. Last evaluated: 2022-06-07. Review status: criteria provided, single submitter. Criteria: GeneDx Variant Classification Process June 2021. Collection method: clinical testing. Allele origin: germline. Affected: yes.
Comment: Has not been previously published as pathogenic or benign to our knowledge; Not observed in large population cohorts (gnomAD); In silico analysis supports that this missense variant does not alter protein structure/function; Located in one of the three hot-spot regions of the RYR2 gene, where the majority of pathogenic missense variants occur (Medeiros-Domingo et al., 2009)

Johns Hopkins Genomics, Johns Hopkins University
Classification: Likely pathogenic for Catecholaminergic polymorphic ventricular tachycardia 1. Last evaluated: 2020-06-05. Review status: criteria provided, single submitter. Criteria: ACMG Guidelines, 2015. Collection method: clinical testing. Allele origin: germline.

Literature cited by the submitters: PubMed 19926015 (cited by Johns Hopkins Genomics, Johns Hopkins University).

NM_001035.3(RYR2):c.13528G>T (p.Ala4510Ser)

Gene: RYR2 (ryanodine receptor 2; plus strand). Cytogenetic location: 1q43.
Variant type: single nucleotide variant.
Coding change: c.13528G>T on transcript NM_001035.3 (MANE Select); coding-DNA position 13528, G replaced by T.
Protein change: p.Ala4510Ser; replaces alanine 4510 with serine.
Molecular consequence: missense variant.
Genome position (GRCh38, 1-based): chr1:237,791,480, G>T. VCF-style: chr1-237791480-G-T. GRCh37 (hg19) VCF-style: chr1-237954780-G-T.
Other names: p.A4510S:GCA>TCA; c.13528G>T, p.Ala4510Ser (LRG_402t1); short protein forms A4510S.
Identifiers: ClinVar variation 201350 (VCV000201350.7), dbSNP rs397516510, ClinGen allele CA007958.